The following is an entry in ClinVar:

ClinVar aggregate classification (germline): Likely benign (1 of 4 stars; one submission).

gnomAD v4.1: 18 of 1,612,072 alleles (0.0011%); highest among the groups gnomAD compares: South Asian, 0.02%; 1 homozygote.

Submission:

CeGaT Center for Human Genetics Tuebingen
Classification: Likely benign. Last evaluated: 2026-05-01. Review status: criteria provided, single submitter. Criteria: CeGaT Center For Human Genetics Tuebingen Variant Classification Criteria Version 2. Collection method: clinical testing. Allele origin: germline. Affected: yes. Observed: 1 variant allele.
Comment: HLA-DPB1: BP4, BP7

NM_002121.6(HLA-DPB1):c.423G>A (p.Leu141=)

Gene: HLA-DPB1 (major histocompatibility complex, class II, DP beta 1; plus strand). Cytogenetic location: 6p21.32.
Variant type: single nucleotide variant.
Coding change: c.423G>A on transcript NM_002121.6 (MANE Select); coding-DNA position 423, G replaced by A.
Protein change: p.Leu141=; no amino-acid change (leucine 141 retained).
Molecular consequence: synonymous variant.
Genome position (GRCh38, 1-based): chr6:33,085,008, G>A. VCF-style: chr6-33085008-G-A. GRCh37 (hg19) VCF-style: chr6-33052785-G-A.
Identifiers: ClinVar variation 4873653 (VCV004873653.2).